The following is an entry in ClinVar:

ClinVar aggregate classification (germline): Uncertain significance (1 of 4 stars; one submission).

Conditions:
Inborn genetic diseases. Identifiers: MedGen C0950123, MeSH D030342.

gnomAD v4.1: 11 of 1,614,214 alleles (0.00068%); highest among the groups gnomAD compares: Admixed American, 0.013%; no homozygotes.

Submission:

Ambry Genetics
Classification: Uncertain significance for Inborn genetic diseases. Last evaluated: 2025-09-25. Review status: criteria provided, single submitter. Criteria: Ambry Variant Classification Scheme 2023. Collection method: clinical testing. Allele origin: germline.
Comment: The c.362C>G (p.P121R) alteration is located in exon 5 (coding exon 4) of the PPOX gene. This alteration results from a C to G substitution at nucleotide position 362, causing the proline (P) at amino acid position 121 to be replaced by an arginine (R). Based on data from gnomAD, the G allele has an overall frequency of 0.002% (6/251450) total alleles studied. The highest observed frequency was 0.017% (6/34590) of Latino alleles. Based on insufficient or conflicting evidence, the clinical significance of this alteration remains unclear.

NM_001122764.3(PPOX):c.362C>G (p.Pro121Arg)

Gene: PPOX (protoporphyrinogen oxidase; plus strand). Cytogenetic location: 1q23.3.
Variant type: single nucleotide variant.
Coding change: c.362C>G on transcript NM_001122764.3 (MANE Select); coding-DNA position 362, C replaced by G.
Protein change: p.Pro121Arg; replaces proline 121 with arginine.
Molecular consequence: missense variant. On other transcripts: intron variant (2), 5 prime UTR variant (4).
Genome position (GRCh38, 1-based): chr1:161,168,018, C>G. VCF-style: chr1-161168018-C-G. GRCh37 (hg19) VCF-style: chr1-161137808-C-G.
Other names: c.-34-395C>G (NM_001350131.2); c.362C>G, p.Pro121Arg (NM_000309.5, NM_001365398.1, NM_001365399.1); c.-66C>G (NM_001350129.2, NM_001365400.1); c.-125C>G (NM_001350130.2, NM_001365401.1); c.354-395C>G (NM_001350128.2); short protein forms P121R.
Identifiers: ClinVar variation 4628274 (VCV004628274.1).